The following is an entry in ClinVar:

NM_000273.3(GPR143):c.886-2A>T

Gene: GPR143 (G protein-coupled receptor 143; minus strand). Cytogenetic location: Xp22.2.
Variant type: single nucleotide variant.
Coding change: c.886-2A>T on transcript NM_000273.3 (MANE Select); the canonical splice acceptor site of the intron before coding-DNA position 886, A replaced by T.
Molecular consequence: splice acceptor variant.
Genome position (GRCh38, 1-based): chrX:9,739,721, T>A on the plus strand (A>T on the coding strand, the complement: GPR143 is on the minus strand). VCF-style: chrX-9739721-T-A. GRCh37 (hg19) VCF-style: chrX-9707761-T-A.
Identifiers: ClinVar variation 1338323 (VCV001338323.6), dbSNP rs2146684328, ClinGen allele CA411995650.

ClinVar aggregate classification (germline): Pathogenic. Review status: criteria provided, multiple submitters, no conflicts (2 of 4 stars). 3 submissions from 3 submitters: Pathogenic (3). Last evaluated 2024-06-05.

Conditions:
GPR143-related disorder. Also called: GPR143-related condition.
GPR143-related disorders.

Submissions (3):

Blueprint Genetics
Classification: Pathogenic for GPR143-related disorders. Last evaluated: 2024-06-05. Review status: criteria provided, single submitter. Criteria: ACMG Guidelines, 2015. Collection method: clinical testing. Allele origin: germline. Affected: yes. Observed: 4 variant alleles.

PreventionGenetics, part of Exact Sciences
Classification: Pathogenic for GPR143-related condition. Last evaluated: 2023-10-04. Review status: criteria provided, single submitter. Criteria: ACMG Guidelines, 2015. Collection method: clinical testing. Allele origin: germline.
Comment: The GPR143 c.886-2A>T variant is predicted to disrupt the AG splice acceptor site and interfere with normal splicing. This variant has been reported in the hemizygous state in an individual with ocular Albinism (Table 1, Figure 5, Mayeur et al. 2006. PubMed ID: 16646960). This variant has not been reported in a large population database, indicating this variant is rare. Variants that disrupt the consensus splice acceptor site in GPR143 are expected to be pathogenic. This variant is interpreted as pathogenic.

Genetic Services Laboratory, University of Chicago
Classification: Pathogenic. Last evaluated: 2017-11-06. Review status: criteria provided, single submitter. Criteria: ACMG Guidelines, 2015. Collection method: clinical testing. Allele origin: germline. Affected: yes.